The following is an entry in ClinVar:

NM_005228.5(EGFR):c.3064G>T (p.Gly1022Cys)

Gene: EGFR (epidermal growth factor receptor; plus strand). Cytogenetic location: 7p11.2.
Variant type: single nucleotide variant.
Coding change: c.3064G>T on transcript NM_005228.5 (MANE Select); coding-DNA position 3064, G replaced by T.
Protein change: p.Gly1022Cys; replaces glycine 1022 with cysteine.
Molecular consequence: missense variant.
Genome position (GRCh38, 1-based): chr7:55,201,305, G>T. VCF-style: chr7-55201305-G-T. GRCh37 (hg19) VCF-style: chr7-55268998-G-T.
Other names: c.2929G>T, p.Gly977Cys (NM_001346897.2, NM_001346899.2); c.3064G>T, p.Gly1022Cys (NM_001346898.2); c.2905G>T, p.Gly969Cys (NM_001346900.2); c.2263G>T, p.Gly755Cys (NM_001346941.2); short protein forms G977C, G755C, G969C, G1022C.
Identifiers: ClinVar variation 4247356 (VCV004247356.1).

ClinVar aggregate classification (germline): Uncertain significance (1 of 4 stars; one submission).

Conditions:
Hereditary cancer-predisposing syndrome. Also called: Hereditary Cancer Syndrome; Hereditary neoplastic syndrome; Neoplastic Syndromes, Hereditary; Tumor predisposition. Identifiers: Orphanet 140162, MedGen C0027672, MeSH D009386, MONDO:0015356.

gnomAD v4.1: 3 of 1,614,006 alleles (0.00019%); highest among the groups gnomAD compares: Non-Finnish European, 0.00025%; no homozygotes.

Submission:

Ambry Genetics
Classification: Uncertain significance for Hereditary cancer-predisposing syndrome. Last evaluated: 2025-08-23. Review status: criteria provided, single submitter. Criteria: Ambry Variant Classification Scheme 2023. Collection method: clinical testing. Allele origin: germline.
Comment: The p.G1022C variant (also known as c.3064G>T), located in coding exon 25 of the EGFR gene, results from a G to T substitution at nucleotide position 3064. The glycine at codon 1022 is replaced by cysteine, an amino acid with highly dissimilar properties. This amino acid position is conserved. In addition, the in silico prediction for this alteration is inconclusive. Based on the available evidence, the clinical significance of this variant remains unclear.